The following is an entry in ClinVar:

NM_006389.5(HYOU1):c.1492G>A (p.Gly498Ser)

Gene: HYOU1 (hypoxia up-regulated 1; minus strand). Cytogenetic location: 11q23.3.
Variant type: single nucleotide variant.
Coding change: c.1492G>A on transcript NM_006389.5 (MANE Select); coding-DNA position 1492, G replaced by A.
Protein change: p.Gly498Ser; replaces glycine 498 with serine.
Molecular consequence: missense variant.
Genome position (GRCh38, 1-based): chr11:119,051,472, C>T on the plus strand (G>A on the coding strand, the complement: HYOU1 is on the minus strand). VCF-style: chr11-119051472-C-T. GRCh37 (hg19) VCF-style: chr11-118922184-C-T.
Other names: c.1492G>A, p.Gly498Ser (NM_001130991.3, NM_001411041.1); short protein forms G498S.
Identifiers: ClinVar variation 3678042 (VCV003678042.2).

ClinVar aggregate classification (germline): Uncertain significance (1 of 4 stars; one submission).

gnomAD v4.1: 3 of 1,614,080 alleles (0.00019%); highest among the groups gnomAD compares: Non-Finnish European, 0.00017%; no homozygotes.

Submission:

Labcorp Genetics (formerly Invitae), Labcorp
Classification: Uncertain significance. Last evaluated: 2024-09-10. Review status: criteria provided, single submitter. Criteria: Invitae Variant Classification Sherloc (09022015). Collection method: clinical testing. Allele origin: germline.
Comment: This sequence change replaces glycine, which is neutral and non-polar, with serine, which is neutral and polar, at codon 498 of the HYOU1 protein (p.Gly498Ser). This variant is not present in population databases (gnomAD no frequency). This variant has not been reported in the literature in individuals affected with HYOU1-related conditions. An algorithm developed to predict the effect of missense changes on protein structure and function (PolyPhen-2) suggests that this variant is likely to be disruptive. In summary, the available evidence is currently insufficient to determine the role of this variant in disease. Therefore, it has been classified as a Variant of Uncertain Significance.